The following is an entry in ClinVar:

ClinVar aggregate classification (germline): Likely benign (1 of 4 stars; one submission).

Conditions:
Arterial tortuosity syndrome (ATORS). Identifiers: Orphanet 3342, MedGen C1859726, MONDO:0008818, OMIM 208050.

Allele frequency attached by ClinVar (database versions not stated): TOPMed 0.00495; 1000 Genomes Project 0.00220; 1000 Genomes Project 30x 0.00297; gnomAD 0.00451 and 0.00459.

Submission:

Illumina Laboratory Services, Illumina
Classification: Likely benign for Arterial tortuosity syndrome. Last evaluated: 2018-01-12. Review status: criteria provided, single submitter. Criteria: ICSL Variant Classification Criteria 13 December 2019. Collection method: clinical testing. Allele origin: germline.
Comment: This variant was observed in the ICSL laboratory as part of a predisposition screen in an ostensibly healthy population. It had not been previously curated by ICSL or reported in the Human Gene Mutation Database (HGMD: prior to June 1st, 2018), and was therefore a candidate for classification through an automated scoring system. Utilizing variant allele frequency, disease prevalence and penetrance estimates, and inheritance mode, an automated score was calculated to assess if this variant is too frequent to cause the disease. Based on the score and internal cut-off values, a variant classified as likely benign is not then subjected to further curation. The score for this variant resulted in a classification of likely benign for this disease.

NM_030777.4(SLC2A10):c.*1449T>C

Gene: SLC2A10 (solute carrier family 2 member 10; plus strand). Cytogenetic location: 20q13.12.
Variant type: single nucleotide variant.
Coding change: c.*1449T>C on transcript NM_030777.4 (MANE Select); 1449 bases downstream of the stop codon, T replaced by C.
Molecular consequence: 3 prime UTR variant.
Genome position (GRCh38, 1-based): chr20:46,735,283, T>C. VCF-style: chr20-46735283-T-C. GRCh37 (hg19) VCF-style: chr20-45363922-T-C.
Identifiers: ClinVar variation 894983 (VCV000894983.4), dbSNP rs181344940, ClinGen allele CA315761730.